The following is an entry in ClinVar:

NM_024817.3(THSD4):c.2915A>T (p.Asp972Val)

Gene: THSD4 (thrombospondin type 1 domain containing 4; plus strand). Cytogenetic location: 15q23.
Variant type: single nucleotide variant.
Coding change: c.2915A>T on transcript NM_024817.3 (MANE Select); coding-DNA position 2915, A replaced by T.
Protein change: p.Asp972Val; replaces aspartic acid 972 with valine.
Molecular consequence: missense variant.
Genome position (GRCh38, 1-based): chr15:71,777,232, A>T. VCF-style: chr15-71777232-A-T. GRCh37 (hg19) VCF-style: chr15-72069571-A-T.
Other names: c.1835A>T, p.Asp612Val (NM_001286429.2); c.2915A>T, p.Asp972Val (NM_001394532.1); short protein forms D612V, D972V.
Identifiers: ClinVar variation 3388967 (VCV003388967.14).
Genomic context (GRCh38, chr15:71,777,232, plus strand): 5'-CACTGGTCCAGGCTGCCTCTTGTGCTCAGGGAGTCTTCTGTTCATTCTCTTTCGCTACAG[A>T]TGAAAACTGCAAGGACAAGTACTACAACTGCAACGTGGTGGTCCAGGCAAGACTCTGTGT-3'
Protein context (NP_079093.2, residues 962-982): CNPQDCVPEV[Asp972Val]ENCKDKYYNC

ClinVar aggregate classification (germline): Uncertain significance (1 of 4 stars; one submission).

Submission:

CeGaT Center for Human Genetics Tuebingen
Classification: Uncertain significance. Last evaluated: 2024-09-01. Review status: criteria provided, single submitter. Criteria: CeGaT Center For Human Genetics Tuebingen Variant Classification Criteria Version 2. Collection method: clinical testing. Allele origin: germline. Affected: yes. Observed: 1 variant allele.
Comment: THSD4: PM2